The following is an entry in ClinVar:

ClinVar aggregate classification (germline): Conflicting classifications of pathogenicity. Review status: criteria provided, conflicting classifications (1 of 4 stars). 5 submissions from 5 submitters: Uncertain significance (4); Likely benign (1). Last evaluated 2025-12-13.

Conditions:
Arrhythmogenic right ventricular dysplasia 9 (ARVD9). Also called: Arrhythmogenic Right Ventricular Dysplasia/Cardiomyopathy 9; ARRHYTHMOGENIC RIGHT VENTRICULAR DYSPLASIA, FAMILIAL, 9. Identifiers: MedGen C1836906, MONDO:0012180, OMIM 609040.
Cardiovascular phenotype. Identifiers: MedGen CN230736.
Arrhythmogenic right ventricular cardiomyopathy (ARVD). Also called: Cardiomyopathy, ARVC; Arrhythmogenic right ventricular dysplasia; Arrhythmogenic cardiomyopathy; Arrhythmogenic Right Ventricular Cardiomyopathy (ARVC). Identifiers: Orphanet 247, MedGen C0349788, MeSH D019571, MONDO:0016587. Disease mechanism: loss of function. Inheritance: Various modes of inheritance.
Cardiomyopathy (CMYO). Also called: Cardiomyopathies. Identifiers: Orphanet 167848, MedGen C0878544, MONDO:0004994, HP:0001638. Inheritance: Various modes of inheritance.

Allele frequency attached by ClinVar (database versions not stated): gnomAD 0.00001; gnomAD exomes 0.00001 and 0.00003; TOPMed 0.00001; ExAC 0.00004.
gnomAD v4.1: 22 of 1,613,972 alleles (0.0014%); highest among the groups gnomAD compares: South Asian, 0.013%; no homozygotes.

Submissions (5):

Labcorp Genetics (formerly Invitae), Labcorp
Classification: Uncertain significance for Arrhythmogenic right ventricular dysplasia 9. Last evaluated: 2025-12-13. Review status: criteria provided, single submitter. Criteria: Invitae Variant Classification Sherloc (09022015). Collection method: clinical testing. Allele origin: germline.
Comment: This sequence change replaces arginine, which is basic and polar, with cysteine, which is neutral and slightly polar, at codon 204 of the PKP2 protein (p.Arg204Cys). This variant is present in population databases (rs777497296, gnomAD 0.02%). This variant has not been reported in the literature in individuals affected with PKP2-related conditions. ClinVar contains an entry for this variant (Variation ID: 1428819). An algorithm developed to predict the effect of missense changes on protein structure and function (PolyPhen-2) suggests that this variant is likely to be disruptive. In summary, the available evidence is currently insufficient to determine the role of this variant in disease. Therefore, it has been classified as a Variant of Uncertain Significance.

Ambry Genetics
Classification: Uncertain significance for Cardiovascular phenotype. Last evaluated: 2024-04-22. Review status: criteria provided, single submitter. Criteria: Ambry Variant Classification Scheme 2023. Collection method: clinical testing. Allele origin: germline.
Comment: The p.R204C variant (also known as c.610C>T), located in coding exon 3 of the PKP2 gene, results from a C to T substitution at nucleotide position 610. The arginine at codon 204 is replaced by cysteine, an amino acid with highly dissimilar properties. This amino acid position is poorly conserved in available vertebrate species. In addition, this alteration is predicted to be tolerated by in silico analysis. Based on the available evidence, the clinical significance of this variant remains unclear.

Color Diagnostics, LLC DBA Color Health
Classification: Uncertain significance for Cardiomyopathy. Last evaluated: 2024-03-04. Review status: criteria provided, single submitter. Criteria: ACMG Guidelines, 2015. Collection method: clinical testing. Allele origin: germline.
Comment: This missense variant replaces arginine with cysteine at codon 204 of the PKP2 protein. Computational prediction suggests that this variant may not impact protein structure and function. To our knowledge, functional studies have not been reported for this variant. This variant has not been reported in individuals affected with cardiovascular disorders in the literature. This variant has been identified in 8/251378 chromosomes in the general population by the Genome Aggregation Database (gnomAD). The available evidence is insufficient to determine the role of this variant in disease conclusively. Therefore, this variant is classified as a Variant of Uncertain Significance.

All of Us Research Program, National Institutes of Health
Classification: Uncertain significance for Arrhythmogenic right ventricular cardiomyopathy. Last evaluated: 2023-12-01. Review status: criteria provided, single submitter. Criteria: ACMG Guidelines, 2015. Collection method: clinical testing. Allele origin: germline. Inheritance: Autosomal dominant inheritance. Observed: 4 variant alleles, 4 heterozygotes.
Comment: This missense variant replaces arginine with cysteine at codon 204 of the PKP2 protein. Computational prediction suggests that this variant may not impact protein structure and function (internally defined REVEL score threshold <= 0.5, PMID: 27666373). To our knowledge, functional studies have not been reported for this variant. This variant has not been reported in individuals affected with cardiovascular disorders in the literature. This variant has been identified in 8/251378 chromosomes in the general population by the Genome Aggregation Database (gnomAD). The available evidence is insufficient to determine the role of this variant in disease conclusively. Therefore, this variant is classified as a Variant of Uncertain Significance.

This study involves interpretation of variants in research participants for the purpose of population health screening. Participant phenotype was not available at the time of variant classification. Additional details can be found in publication PMID: 35346344, PMCID: PMC8962531

Blueprint Genetics
Classification: Likely benign. Last evaluated: 2021-08-25. Review status: criteria provided, single submitter. Criteria: ACMG Guidelines, 2015. Collection method: clinical testing. Allele origin: germline.

NM_001005242.3(PKP2):c.610C>T (p.Arg204Cys)

Gene: PKP2 (plakophilin 2; minus strand). Cytogenetic location: 12p11.21.
Variant type: single nucleotide variant.
Coding change: c.610C>T on transcript NM_001005242.3 (MANE Select); coding-DNA position 610, C replaced by T.
Protein change: p.Arg204Cys; replaces arginine 204 with cysteine.
Molecular consequence: missense variant.
Genome position (GRCh38, 1-based): chr12:32,878,270, G>A on the plus strand (C>T on the coding strand, the complement: PKP2 is on the minus strand). VCF-style: chr12-32878270-G-A. GRCh37 (hg19) VCF-style: chr12-33031204-G-A.
Other names: c.610C>T, p.Arg204Cys (NM_004572.4); c.610C>T (NM_004572.3); short protein forms R204C.
Identifiers: ClinVar variation 1428819 (VCV001428819.9), dbSNP rs777497296, ClinGen allele CA038202.